The following is an entry in ClinVar:

NM_024496.4(IRF2BPL):c.346C>G (p.Gln116Glu)

Gene: IRF2BPL (interferon regulatory factor 2 binding protein like; minus strand). Cytogenetic location: 14q24.3.
Variant type: single nucleotide variant.
Coding change: c.346C>G on transcript NM_024496.4 (MANE Select); coding-DNA position 346, C replaced by G.
Protein change: p.Gln116Glu; replaces glutamine 116 with glutamic acid.
Molecular consequence: missense variant.
Genome position (GRCh38, 1-based): chr14:77,027,447, G>C on the plus strand (C>G on the coding strand, the complement: IRF2BPL is on the minus strand). VCF-style: chr14-77027447-G-C. GRCh37 (hg19) VCF-style: chr14-77493790-G-C.
Other names: short protein forms Q116E.
Identifiers: ClinVar variation 3235852 (VCV003235852.1), dbSNP rs2503078768, ClinGen allele CA390499822.

ClinVar aggregate classification (germline): Uncertain significance (1 of 4 stars; one submission).

Submission:

Greenwood Genetic Center Diagnostic Laboratories, Greenwood Genetic Center
Classification: Uncertain significance. Last evaluated: 2024-01-25. Review status: criteria provided, single submitter. Criteria: ACMG Guidelines, 2015. Collection method: clinical testing. Allele origin: germline. Affected: yes.
Comment: PM2